The following is an entry in ClinVar:

NM_000051.4(ATM):c.7983T>C (p.Asp2661=)

Genes: ATM (ATM serine/threonine kinase; plus strand), C11orf65 (chromosome 11 open reading frame 65; minus strand). Cytogenetic location: 11q22.3.
Variant type: single nucleotide variant.
Coding change: c.7983T>C on transcript NM_000051.4 (MANE Select); coding-DNA position 7983, T replaced by C.
Protein change: p.Asp2661=; no amino-acid change (aspartic acid 2661 retained).
Molecular consequence: synonymous variant. On other transcripts: intron variant (2).
Genome position (GRCh38, 1-based): chr11:108,333,941, T>C. VCF-style: chr11-108333941-T-C. GRCh37 (hg19) VCF-style: chr11-108204668-T-C.
Other names: c.7983T>C, p.Asp2661= (NM_001351834.2); c.641-24870A>G (NM_001330368.2); c.*38+1279A>G (NM_001351110.2).
Identifiers: ClinVar variation 184187 (VCV000184187.58), dbSNP rs143972422, ClinGen allele CA188122.

ClinVar aggregate classification (germline): Benign/Likely benign. Review status: criteria provided, multiple submitters, no conflicts (2 of 4 stars). 12 submissions from 12 submitters: Benign (2); Likely benign (9). 1 of the submissions does not count toward it. Last evaluated 2026-01-18.

Conditions:
ATM-related disorder. Also called: ATM-related disorders; ATM-related condition.
Hereditary cancer-predisposing syndrome. Also called: Hereditary Cancer Syndrome; Tumor predisposition; Neoplastic Syndromes, Hereditary; Hereditary neoplastic syndrome. Identifiers: Orphanet 140162, MedGen C0027672, MeSH D009386, MONDO:0015356.
Familial cancer of breast. Also called: hereditary breast carcinoma; BREAST CANCER, FAMILIAL; Hereditary breast cancer. Identifiers: Orphanet 227535, MedGen C0346153, MONDO:0016419, OMIM 114480. Disease mechanism: loss of function.
Ataxia-telangiectasia syndrome (AT). Also called: ATAXIA-TELANGIECTASIA, COMPLEMENTATION GROUP A; ATAXIA-TELANGIECTASIA, FRESNO VARIANT; Ataxia-telangiectasia; Ataxia-telangiectasia, complementation group E; Cerebello-oculocutaneous telangiectasia; Immunodeficiency with ataxia telangiectasia. Identifiers: Orphanet 100, MedGen C0004135, MONDO:0008840, OMIM 208900.

Allele frequency attached by ClinVar (database versions not stated): TOPMed 0.00006; gnomAD 0.00005 and 0.00006; ExAC 0.00008; gnomAD exomes 0.00005 and 0.00008; ESP Exome Variant Server 0.00023.
gnomAD v4.1: 80 of 1,611,520 alleles (0.005%); highest among the groups gnomAD compares: African/African-American, 0.0067%; no homozygotes.

Submissions (12):

Labcorp Genetics (formerly Invitae), Labcorp
Classification: Likely benign for Ataxia-telangiectasia syndrome. Last evaluated: 2026-01-18. Review status: criteria provided, single submitter. Criteria: Invitae Variant Classification Sherloc (09022015). Collection method: clinical testing. Allele origin: germline.

Center for Genomic Medicine, Rigshospitalet, Copenhagen University Hospital
Classification: Likely benign. Last evaluated: 2025-03-04. Review status: criteria provided, single submitter. Criteria: ACMG Guidelines, 2015. Collection method: clinical testing. Allele origin: germline.

CeGaT Center for Human Genetics Tuebingen
Classification: Likely benign. Last evaluated: 2025-01-01. Review status: criteria provided, single submitter. Criteria: CeGaT Center For Human Genetics Tuebingen Variant Classification Criteria Version 2. Collection method: clinical testing. Allele origin: germline. Affected: yes. Observed: 6 variant alleles.
Comment: ATM: BP4, BP7

Myriad Genetics, Inc.
Classification: Benign for Familial cancer of breast. Last evaluated: 2024-06-18. Review status: criteria provided, single submitter. Criteria: Myriad Autosomal Dominant, Autosomal Recessive and X-Linked Classification Criteria (2023). Collection method: clinical testing. Allele origin: unknown.
Comment: This variant is considered benign. This variant is a silent/synonymous amino acid change and it is not expected to impact splicing.

Genetic Services Laboratory, University of Chicago
Classification: Likely benign. Last evaluated: 2021-11-29. Review status: criteria provided, single submitter. Criteria: ACMG Guidelines, 2015. Collection method: clinical testing. Allele origin: germline. Affected: no.

Department of Pathology and Laboratory Medicine, Sinai Health System
Classification: Likely benign for Familial cancer of breast. Last evaluated: 2020-10-26. Review status: criteria provided, single submitter. Criteria: ACMG Guidelines, 2015. Collection method: clinical testing. Allele origin: germline. Affected: yes.

Sema4
Classification: Likely benign for Hereditary cancer-predisposing syndrome. Last evaluated: 2020-07-21. Review status: criteria provided, single submitter. Criteria: Sema4 Curation Guidelines. Collection method: curation. Allele origin: germline.

Women's Health and Genetics/Laboratory Corporation of America, LabCorp
Classification: Likely benign. Last evaluated: 2019-08-20. Review status: criteria provided, single submitter. Criteria: LabCorp Variant Classification Summary - May 2015. Collection method: clinical testing. Allele origin: germline.

Color Diagnostics, LLC DBA Color Health
Classification: Likely benign for Hereditary cancer-predisposing syndrome. Last evaluated: 2016-02-10. Review status: criteria provided, single submitter. Criteria: ACMG Guidelines, 2015. Collection method: clinical testing. Allele origin: germline.

GeneDx
Classification: Benign. Last evaluated: 2015-06-03. Review status: criteria provided, single submitter. Criteria: GeneDx Variant Classification (06012015). Collection method: clinical testing. Allele origin: germline. Affected: yes.
Comment: This variant is considered likely benign or benign based on one or more of the following criteria: it is a conservative change, it occurs at a poorly conserved position in the protein, it is predicted to be benign by multiple in silico algorithms, and/or has population frequency not consistent with disease.

Ambry Genetics
Classification: Likely benign for Hereditary cancer-predisposing syndrome. Last evaluated: 2015-01-21. Review status: criteria provided, single submitter. Criteria: Ambry Variant Classification Scheme 2023. Collection method: clinical testing. Allele origin: germline.

PreventionGenetics, part of Exact Sciences
Classification: Likely benign for ATM-related condition. Last evaluated: 2019-10-22. Review status: no assertion criteria provided. Collection method: clinical testing. Allele origin: germline. Not counted in ClinVar's aggregate classification.
Comment: This variant is classified as likely benign based on ACMG/AMP sequence variant interpretation guidelines (Richards et al. 2015 PMID: 25741868, with internal and published modifications).